The following is an entry in ClinVar:

NM_139276.3(STAT3):c.1355T>C (p.Ile452Thr)

Gene: STAT3 (signal transducer and activator of transcription 3; minus strand). Cytogenetic location: 17q21.2.
Variant type: single nucleotide variant.
Coding change: c.1355T>C on transcript NM_139276.3 (MANE Select); coding-DNA position 1355, T replaced by C.
Protein change: p.Ile452Thr; replaces isoleucine 452 with threonine.
Molecular consequence: missense variant. On other transcripts: intron variant (1).
Genome position (GRCh38, 1-based): chr17:42,326,126, A>G on the plus strand (T>C on the coding strand, the complement: STAT3 is on the minus strand). VCF-style: chr17-42326126-A-G. GRCh37 (hg19) VCF-style: chr17-40478144-A-G.
Other names: c.1355T>C, p.Ile452Thr (NM_001369518.1, NM_001369519.1, NM_001369520.1 and 11 more transcripts); c.1277T>C, p.Ile426Thr (NM_001384985.1); c.1370T>C, p.Ile457Thr (NM_001384986.1, NM_001384990.1); c.1259T>C, p.Ile420Thr (NM_001384989.1); c.1295T>C, p.Ile432Thr (NM_001384992.1); c.1282-1065T>C (NM_001384984.1); short protein forms I426T, I432T, I457T, I420T, I452T.
Identifiers: ClinVar variation 2938539 (VCV002938539.4), dbSNP rs967484458, ClinGen allele CA290734229.

ClinVar aggregate classification (germline): Uncertain significance. Review status: criteria provided, multiple submitters, no conflicts (2 of 4 stars). 2 submissions from 2 submitters: Uncertain significance (2). Last evaluated 2025-06-09.

Conditions:
Hyper-IgE recurrent infection syndrome 1, autosomal dominant. Also called: JOB SYNDROME; Job's Syndrome; STAT3 Hyper IgE Syndrome; Hyper-IgE recurrent infection syndrome 1; HYPER-IgE SYNDROME 1, AUTOSOMAL DOMINANT, WITH RECURRENT INFECTIONS. Identifiers: Orphanet 2314, MedGen C2936739, MONDO:0007818, OMIM 147060.
STAT3 gain of function. Identifiers: MedGen C4288261.

Allele frequency attached by ClinVar (database versions not stated): gnomAD exomes below 0.00001; gnomAD 0.00001; TOPMed 0.00001.
gnomAD v4.1: 5 of 1,613,890 alleles (0.00031%); highest among the groups gnomAD compares: Non-Finnish European, 0.00042%; no homozygotes.

Submissions (2):

Labcorp Genetics (formerly Invitae), Labcorp
Classification: Uncertain significance for STAT3 gain of function; Hyper-IgE recurrent infection syndrome 1, autosomal dominant. Last evaluated: 2025-06-09. Review status: criteria provided, single submitter. Criteria: Invitae Variant Classification Sherloc (09022015). Collection method: clinical testing. Allele origin: germline.
Comment: This sequence change replaces isoleucine, which is neutral and non-polar, with threonine, which is neutral and polar, at codon 452 of the STAT3 protein (p.Ile452Thr). This variant is not present in population databases (gnomAD no frequency). This variant has not been reported in the literature in individuals affected with STAT3-related conditions. ClinVar contains an entry for this variant (Variation ID: 2938539). Invitae Evidence Modeling of protein sequence and biophysical properties (such as structural, functional, and spatial information, amino acid conservation, physicochemical variation, residue mobility, and thermodynamic stability) has been performed for this missense variant. However, the output from this modeling did not meet the statistical confidence thresholds required to predict the impact of this variant on STAT3 protein function. In summary, the available evidence is currently insufficient to determine the role of this variant in disease. Therefore, it has been classified as a Variant of Uncertain Significance.

GeneDx
Classification: Uncertain significance. Last evaluated: 2024-03-01. Review status: criteria provided, single submitter. Criteria: GeneDx Variant Classification Process June 2021. Collection method: clinical testing. Allele origin: germline. Affected: yes.
Comment: Not observed at significant frequency in large population cohorts (gnomAD); In silico analysis supports that this missense variant has a deleterious effect on protein structure/function; Has not been previously published as pathogenic or benign to our knowledge; This variant is associated with the following publications: (PMID: 18602572)